The following is an entry in ClinVar:

NM_032217.5(ANKRD17):c.4264A>G (p.Ile1422Val)

Gene: ANKRD17 (ankyrin repeat domain 17; minus strand). Cytogenetic location: 4q13.3.
Variant type: single nucleotide variant.
Coding change: c.4264A>G on transcript NM_032217.5 (MANE Select); coding-DNA position 4264, A replaced by G.
Protein change: p.Ile1422Val; replaces isoleucine 1422 with valine.
Molecular consequence: missense variant.
Genome position (GRCh38, 1-based): chr4:73,115,841, T>C on the plus strand (A>G on the coding strand, the complement: ANKRD17 is on the minus strand). VCF-style: chr4-73115841-T-C. GRCh37 (hg19) VCF-style: chr4-73981558-T-C.
Other names: c.3925A>G, p.Ile1309Val (NM_001286771.3); c.4261A>G, p.Ile1421Val (NM_015574.2); c.3511A>G, p.Ile1171Val (NM_198889.3); short protein forms I1171V, I1309V, I1421V, I1422V.
Identifiers: ClinVar variation 4529866 (VCV004529866.1).

ClinVar aggregate classification (germline): Uncertain significance (1 of 4 stars; one submission).

gnomAD v4.1: 2 of 1,613,206 alleles (0.00012%); highest among the groups gnomAD compares: Non-Finnish European, 0.00017%; no homozygotes.

Submission:

GeneDx
Classification: Uncertain significance. Last evaluated: 2025-05-13. Review status: criteria provided, single submitter. Criteria: GeneDx Variant Classification Process June 2021. Collection method: clinical testing. Allele origin: germline. Affected: yes.
Comment: Not observed at significant frequency in large population cohorts (gnomAD); In silico analysis suggests that this missense variant does not alter protein structure/function; Has not been previously published as pathogenic or benign to our knowledge